The following is an entry in ClinVar:

ClinVar aggregate classification (germline): Conflicting classifications of pathogenicity. Review status: criteria provided, conflicting classifications (1 of 4 stars). 3 submissions from 3 submitters: Uncertain significance (2); Likely benign (1). Last evaluated 2026-02-03.

Conditions:
Hypertrophic cardiomyopathy 26. Also called: Cardiomyopathy, familial hypertrophic, 26. Identifiers: Orphanet 75249, MedGen C4310749, MONDO:0014883, OMIM 617047.
Myofibrillar myopathy 5. Also called: Filaminopathy (type); FILAMINOPATHY, AUTOSOMAL DOMINANT. Identifiers: Orphanet 171445, MedGen C1836050, MONDO:0012289, OMIM 609524.
Distal myopathy with posterior leg and anterior hand involvement. Also called: WILLIAMS DISTAL MYOPATHY. Identifiers: Orphanet 63273, MedGen C3279722, MONDO:0013550, OMIM 614065.
Cardiovascular phenotype. Identifiers: MedGen CN230736.

Allele frequency attached by ClinVar (database versions not stated): ExAC 0.00002; gnomAD exomes 0.00002 and 0.00008; gnomAD 0.00007; TOPMed 0.00014.
gnomAD v4.1: 38 of 1,614,036 alleles (0.0024%); highest among the groups gnomAD compares: Admixed American, 0.063%; no homozygotes.

Submissions (3):

Labcorp Genetics (formerly Invitae), Labcorp
Classification: Likely benign for Distal myopathy with posterior leg and anterior hand involvement; Myofibrillar myopathy 5; Hypertrophic cardiomyopathy 26. Last evaluated: 2026-02-03. Review status: criteria provided, single submitter. Criteria: Invitae Variant Classification Sherloc (09022015). Collection method: clinical testing. Allele origin: germline.

Ambry Genetics
Classification: Uncertain significance for Cardiovascular phenotype. Last evaluated: 2025-04-07. Review status: criteria provided, single submitter. Criteria: Ambry Variant Classification Scheme 2023. Collection method: clinical testing. Allele origin: germline.
Comment: The p.K498E variant (also known as c.1492A>G), located in coding exon 9 of the FLNC gene, results from an A to G substitution at nucleotide position 1492. The lysine at codon 498 is replaced by glutamic acid, an amino acid with similar properties. This variant has been reported in a sudden infant death syndrome (SIDS) cohort (Cazzato F et al. Int J Legal Med, 2024 Nov;138:2229-2237). This amino acid position is well conserved in available vertebrate species. In addition, the in silico prediction for this alteration is inconclusive. Based on the available evidence, the clinical significance of this variant remains unclear.

Revvity Omics, Revvity
Classification: Uncertain significance. Last evaluated: 2019-10-01. Review status: criteria provided, single submitter. Criteria: ACMG Guidelines, 2015. Collection method: clinical testing. Allele origin: germline.

Literature cited by the submitters: PubMed 30418145 (cited by Ambry Genetics); PubMed 38849547 (cited by Ambry Genetics).

NM_001458.5(FLNC):c.1492A>G (p.Lys498Glu)

Gene: FLNC (filamin C; plus strand). Cytogenetic location: 7q32.1.
Variant type: single nucleotide variant.
Coding change: c.1492A>G on transcript NM_001458.5 (MANE Select); coding-DNA position 1492, A replaced by G.
Protein change: p.Lys498Glu; replaces lysine 498 with glutamic acid.
Molecular consequence: missense variant.
Genome position (GRCh38, 1-based): chr7:128,840,103, A>G. VCF-style: chr7-128840103-A-G. GRCh37 (hg19) VCF-style: chr7-128480157-A-G.
Other names: c.1492A>G, p.Lys498Glu (NM_001127487.2); short protein forms K498E.
Identifiers: ClinVar variation 660522 (VCV000660522.11), dbSNP rs781127889, ClinGen allele CA4474358.